The following is an entry in ClinVar:

NM_001367823.1(ARHGEF18):c.3400C>T (p.Arg1134Trp)

Gene: ARHGEF18 (Rho/Rac guanine nucleotide exchange factor 18; plus strand). Cytogenetic location: 19p13.2.
Variant type: single nucleotide variant.
Coding change: c.3400C>T on transcript NM_001367823.1 (MANE Select); coding-DNA position 3400, C replaced by T.
Protein change: p.Arg1134Trp; replaces arginine 1134 with tryptophan.
Molecular consequence: missense variant.
Genome position (GRCh38, 1-based): chr19:7,467,604, C>T. VCF-style: chr19-7467604-C-T. GRCh37 (hg19) VCF-style: chr19-7532490-C-T.
Other names: c.2674C>T, p.Arg892Trp (NM_001130955.2); c.2362C>T, p.Arg788Trp (NM_001367824.1, NM_015318.4); short protein forms R1134W, R788W, R892W.
Identifiers: ClinVar variation 1425459 (VCV001425459.6), dbSNP rs1470460415, ClinGen allele CA403089542.

ClinVar aggregate classification (germline): Uncertain significance (1 of 4 stars; one submission).

Allele frequency attached by ClinVar (database versions not stated): gnomAD exomes below 0.00001.
gnomAD v4.1: 2 of 1,508,696 alleles (0.00013%); highest among the groups gnomAD compares: Non-Finnish European, 0.00018%; no homozygotes.

Submission:

Labcorp Genetics (formerly Invitae), Labcorp
Classification: Uncertain significance. Last evaluated: 2022-07-05. Review status: criteria provided, single submitter. Criteria: Invitae Variant Classification Sherloc (09022015). Collection method: clinical testing. Allele origin: germline.
Comment: In summary, the available evidence is currently insufficient to determine the role of this variant in disease. Therefore, it has been classified as a Variant of Uncertain Significance. This sequence change replaces arginine, which is basic and polar, with tryptophan, which is neutral and slightly polar, at codon 946 of the ARHGEF18 protein (p.Arg946Trp). This variant is not present in population databases (gnomAD no frequency). This variant has not been reported in the literature in individuals affected with ARHGEF18-related conditions. ClinVar contains an entry for this variant (Variation ID: 1425459). Algorithms developed to predict the effect of missense changes on protein structure and function (SIFT, PolyPhen-2, Align-GVGD) all suggest that this variant is likely to be disruptive.